The following is an entry in ClinVar:

ClinVar aggregate classification (germline): Uncertain significance. Review status: criteria provided, multiple submitters, no conflicts (2 of 4 stars). 2 submissions from 2 submitters: Uncertain significance (2). Last evaluated 2024-06-26.

Allele frequency attached by ClinVar (database versions not stated): TOPMed 0.00002; gnomAD 0.00002 and 0.00001; gnomAD exomes 0.00004 and 0.00002; ExAC 0.00004.
gnomAD v4.1: 27 of 1,552,602 alleles (0.0017%); highest among the groups gnomAD compares: South Asian, 0.0048%; no homozygotes.

Submissions (2):

Revvity Omics, Revvity
Classification: Uncertain significance. Last evaluated: 2024-06-26. Review status: criteria provided, single submitter. Criteria: ACMG Guidelines, 2015. Collection method: clinical testing. Allele origin: germline.

ARUP Laboratories, Molecular Genetics and Genomics, ARUP Laboratories
Classification: Uncertain significance. Last evaluated: 2019-01-20. Review status: criteria provided, single submitter. Criteria: ARUP Molecular Germline Variant Investigation Process. Collection method: clinical testing. Allele origin: germline.
Comment: The PIEZO1 c.6421G>A; p.Asp2141Asn variant (rs781566440), to our knowledge, is not reported in the medical literature or gene specific databases. This variant is found in the general population with an overall allele frequency of 0.004% (6/162306 alleles) in the Genome Aggregation Database. The asparagine at codon 2141 is highly conserved and computational analyses (SIFT, PolyPhen-2) predict that this variant is deleterious. However, due to limited information, the clinical significance of the p.Asp2141Asn variant is uncertain at this time.

NM_001142864.4(PIEZO1):c.6421G>A (p.Asp2141Asn)

Gene: PIEZO1 (piezo type mechanosensitive ion channel component 1 (Er blood group); minus strand). Cytogenetic location: 16q24.3.
Variant type: single nucleotide variant.
Coding change: c.6421G>A on transcript NM_001142864.4 (MANE Select); coding-DNA position 6421, G replaced by A.
Protein change: p.Asp2141Asn; replaces aspartic acid 2141 with asparagine.
Molecular consequence: missense variant.
Genome position (GRCh38, 1-based): chr16:88,719,624, C>T on the plus strand (G>A on the coding strand, the complement: PIEZO1 is on the minus strand). VCF-style: chr16-88719624-C-T. GRCh37 (hg19) VCF-style: chr16-88786032-C-T.
Other names: short protein forms D2141N.
Identifiers: ClinVar variation 811252 (VCV000811252.10), dbSNP rs781566440, ClinGen allele CA8231638.